The following is an entry in ClinVar:

ClinVar aggregate classification (germline): Uncertain significance (1 of 4 stars; one submission).

Conditions:
Cortical dysplasia-focal epilepsy syndrome (PTHSL1). Also called: Pitt-Hopkins-like syndrome 1. Identifiers: Orphanet 163681, Orphanet 221150, MedGen C2750246, MONDO:0012400, OMIM 610042.

Submission:

Labcorp Genetics (formerly Invitae), Labcorp
Classification: Uncertain significance for Cortical dysplasia-focal epilepsy syndrome. Last evaluated: 2019-11-29. Review status: criteria provided, single submitter. Criteria: Invitae Variant Classification Sherloc (09022015). Collection method: clinical testing. Allele origin: germline.
Comment: In summary, the available evidence is currently insufficient to determine the role of this variant in disease. Therefore, it has been classified as a Variant of Uncertain Significance. Algorithms developed to predict the effect of missense changes on protein structure and function are either unavailable or do not agree on the potential impact of this missense change (SIFT: "Tolerated"; PolyPhen-2: "Possibly Damaging"; Align-GVGD: "Class C0"). This variant has not been reported in the literature in individuals with CNTNAP2-related conditions. This variant is not present in population databases (ExAC no frequency). This sequence change replaces valine with leucine at codon 862 of the CNTNAP2 protein (p.Val862Leu). The valine residue is highly conserved and there is a small physicochemical difference between valine and leucine.

NM_014141.6(CNTNAP2):c.2584G>T (p.Val862Leu)

Gene: CNTNAP2 (contactin associated protein 2; plus strand). Cytogenetic location: 7q35.
Variant type: single nucleotide variant.
Coding change: c.2584G>T on transcript NM_014141.6 (MANE Select); coding-DNA position 2584, G replaced by T.
Protein change: p.Val862Leu; replaces valine 862 with leucine.
Molecular consequence: missense variant.
Genome position (GRCh38, 1-based): chr7:148,147,520, G>T. VCF-style: chr7-148147520-G-T. GRCh37 (hg19) VCF-style: chr7-147844612-G-T.
Other names: short protein forms V862L.
Identifiers: ClinVar variation 858335 (VCV000858335.10), dbSNP rs1805210126, ClinGen allele CA369927892.